The following is an entry in ClinVar:

ClinVar aggregate classification (germline): Likely benign (1 of 4 stars; one submission).

Conditions:
SEMA3B-related disorder. Also called: SEMA3B-related condition.

gnomAD v4.1: 4 of 1,485,798 alleles (0.00027%); highest among the groups gnomAD compares: Non-Finnish European, 0.00035%; no homozygotes.

Submission:

PreventionGenetics, part of Exact Sciences
Classification: Likely benign for SEMA3B-related condition. Last evaluated: 2026-01-26. Review status: criteria provided, single submitter. Criteria: ACMG Guidelines, 2015. Collection method: clinical testing. Allele origin: germline.
Comment: This variant is classified as likely benign based on ACMG/AMP sequence variant interpretation guidelines (Richards et al. 2015 PMID: 25741868, with internal and published modifications).

NM_001290060.2(SEMA3B):c.*9T>A

Gene: SEMA3B (semaphorin 3B; plus strand). Cytogenetic location: 3p21.31.
Variant type: single nucleotide variant.
Coding change: c.*9T>A on transcript NM_001290060.2 (MANE Select); 9 bases downstream of the stop codon, T replaced by A.
Molecular consequence: 3 prime UTR variant. On other transcripts: non-coding transcript variant (1).
Genome position (GRCh38, 1-based): chr3:50,276,715, T>A. VCF-style: chr3-50276715-T-A. GRCh37 (hg19) VCF-style: chr3-50314146-T-A.
Other names: c.*9T>A (NM_001005914.3, NM_001290061.1, NM_001290062.2 and 5 more transcripts).
Identifiers: ClinVar variation 4985900 (VCV004985900.1).